The following is an entry in ClinVar:

ClinVar aggregate classification (germline): Conflicting classifications of pathogenicity. Review status: criteria provided, conflicting classifications (1 of 4 stars). 3 submissions from 3 submitters: Uncertain significance (1); Benign (2). Last evaluated 2026-01-19.

Conditions:
Hyperuricemia, pulmonary hypertension, renal failure, alkalosis syndrome (HUPRAS). Also called: HYPERURICEMIA, PULMONARY HYPERTENSION, RENAL FAILURE, AND ALKALOSIS SYNDROME; HUPRA SYNDROME. Identifiers: Orphanet 363694, MedGen C3151209, MONDO:0013458, OMIM 613845.

Allele frequency attached by ClinVar (database versions not stated): 1000 Genomes Project 30x 0.00468; gnomAD 0.00481 and 0.00518; 1000 Genomes Project 0.00519; TOPMed 0.00562; ESP Exome Variant Server 0.00600; gnomAD exomes 0.00047 and 0.00137; ExAC 0.00159.
gnomAD v4.1: 1,477 of 1,606,004 alleles (0.092%); highest among the groups gnomAD compares: African/African-American, 1.6%; 14 homozygotes.

Submissions (3):

Labcorp Genetics (formerly Invitae), Labcorp
Classification: Benign. Last evaluated: 2026-01-19. Review status: criteria provided, single submitter. Criteria: Invitae Variant Classification Sherloc (09022015). Collection method: clinical testing. Allele origin: germline.

Illumina Laboratory Services, Illumina
Classification: Uncertain significance for Hyperuricemia, pulmonary hypertension, renal failure, alkalosis syndrome. Last evaluated: 2018-01-12. Review status: criteria provided, single submitter. Criteria: ICSL Variant Classification Criteria 13 December 2019. Collection method: clinical testing. Allele origin: germline.

GeneDx
Classification: Benign. Last evaluated: 2015-02-10. Review status: criteria provided, single submitter. Criteria: GeneDx Variant Classification (06012015). Collection method: clinical testing. Allele origin: germline. Affected: yes.
Comment: This variant is considered likely benign or benign based on one or more of the following criteria: it is a conservative change, it occurs at a poorly conserved position in the protein, it is predicted to be benign by multiple in silico algorithms, and/or has population frequency not consistent with disease.

NM_017827.4(SARS2):c.310C>T (p.Arg104Trp)

Gene: SARS2 (seryl-tRNA synthetase 2, mitochondrial; minus strand). Cytogenetic location: 19q13.2.
Variant type: single nucleotide variant.
Coding change: c.310C>T on transcript NM_017827.4 (MANE Select); coding-DNA position 310, C replaced by T.
Protein change: p.Arg104Trp; replaces arginine 104 with tryptophan.
Molecular consequence: missense variant.
Genome position (GRCh38, 1-based): chr19:38,926,258, G>A on the plus strand (C>T on the coding strand, the complement: SARS2 is on the minus strand). VCF-style: chr19-38926258-G-A. GRCh37 (hg19) VCF-style: chr19-39416898-G-A.
Other names: p.R104W:CGG>TGG; c.310C>T, p.Arg104Trp (NM_001145901.2); short protein forms R104W.
Identifiers: ClinVar variation 215102 (VCV000215102.14), dbSNP rs144760517, ClinGen allele CA321215.